The following is an entry in ClinVar:

NM_024301.5(FKRP):c.947C>G (p.Pro316Arg)

Gene: FKRP (fukutin related protein; plus strand). Cytogenetic location: 19q13.32.
Variant type: single nucleotide variant.
Coding change: c.947C>G on transcript NM_024301.5 (MANE Select); coding-DNA position 947, C replaced by G.
Protein change: p.Pro316Arg; replaces proline 316 with arginine.
Molecular consequence: missense variant.
Genome position (GRCh38, 1-based): chr19:46,756,397, C>G. VCF-style: chr19-46756397-C-G. GRCh37 (hg19) VCF-style: chr19-47259654-C-G.
Other names: c.947C>G, p.Pro316Arg (NM_001039885.3); short protein forms P316R.
Identifiers: ClinVar variation 197347 (VCV000197347.19), dbSNP rs752582904, ClinGen allele CA245436.

ClinVar aggregate classification (germline): Pathogenic/Likely pathogenic. Review status: criteria provided, multiple submitters, no conflicts (2 of 4 stars). 6 submissions from 6 submitters: Pathogenic (2); Likely pathogenic (4). Last evaluated 2026-05-04.

Conditions:
Myopathy caused by variation in FKRP. Identifiers: MedGen CN305637, MONDO:0700066.
Cardiovascular phenotype. Identifiers: MedGen CN230736.
Walker-Warburg congenital muscular dystrophy. Also called: Muscular dystrophy-dystroglycanopathy, type A; Walker-Warburg syndrome. Identifiers: Orphanet 899, MedGen C0265221, MONDO:0000171.
Muscular dystrophy-dystroglycanopathy type B5 (MDDGB5). Also called: MUSCULAR DYSTROPHY, CONGENITAL, 1C; MUSCULAR DYSTROPHY, CONGENITAL, FKRP-RELATED; MUSCULAR DYSTROPHY-DYSTROGLYCANOPATHY (CONGENITAL WITH OR WITHOUT IMPAIRED INTELLECTUAL DEVELOPMENT), TYPE B, 5. Identifiers: MedGen C1847759, MONDO:0011688, OMIM 606612.
Autosomal recessive limb-girdle muscular dystrophy type 2I. Also called: MUSCULAR DYSTROPHY, LIMB-GIRDLE, TYPE 2I; MUSCULAR DYSTROPHY-DYSTROGLYCANOPATHY (LIMB-GIRDLE), TYPE C, 5; MUSCULAR DYSTROPHY-DYSTROGLYCANOPATHY, LIMB-GIRDLE, FRKP-RELATED. Identifiers: Orphanet 34515, MedGen C1846672, MONDO:0011787, OMIM 607155.
Muscular dystrophy-dystroglycanopathy (congenital with brain and eye anomalies), type A1 (MDDGA1). Also called: WALKER-WARBURG SYNDROME OR MUSCLE-EYE-BRAIN DISEASE, POMT1-RELATED; Hydrocephalus, agyria and retinal dysplasia; Hard +/- E syndrome; Warburg syndrome; Chemke syndrome; Pagon syndrome. Identifiers: Orphanet 588, Orphanet 899, MedGen C4284790, MONDO:0009364, OMIM 236670.
Muscular dystrophy-dystroglycanopathy (congenital with brain and eye anomalies), type A5. Also called: MUSCULAR DYSTROPHY-DYSTROGLYCANOPATHY (CONGENITAL WITH BRAIN AND EYE ANOMALIES), TYPE A, 5; WALKER-WARBURG SYNDROME OR MUSCLE-EYE-BRAIN DISEASE, FKRP-RELATED. Identifiers: Orphanet 588, Orphanet 899, MedGen C3150413, MONDO:0013157, OMIM 613153.

Allele frequency attached by ClinVar (database versions not stated): TOPMed below 0.00001; gnomAD 0.00001; gnomAD exomes 0.00001; ExAC 0.00005.
gnomAD v4.1: 7 of 1,569,102 alleles (0.00045%); highest among the groups gnomAD compares: Non-Finnish European, 0.00052%; no homozygotes.

Submissions (6):

Ambry Genetics
Classification: Likely pathogenic for Cardiovascular phenotype. Last evaluated: 2026-05-04. Review status: criteria provided, single submitter. Criteria: Ambry Variant Classification Scheme 2023. Collection method: clinical testing. Allele origin: germline.
Comment: The p.P316R variant (also known as c.947C>G), located in coding exon 1 of the FKRP gene, results from a C to G substitution at nucleotide position 947. The proline at codon 316 is replaced by arginine, an amino acid with dissimilar properties. This variant has been identified in the homozygous state and/or in conjunction with other FKRP variant(s) in individual(s) with features consistent with FKRP-related dystroglycanopathies; in at least one instance, the variants were identified in trans (Brockington M et al. Hum Mol Genet, 2001 Dec;10:2851-9; Quijano-Roy S et al. Brain Dev, 2006 May;28:232-42; Stehl&iacute;kov&aacute; K et al. BMC Neurol, 2014 Aug;14:154; Z&iacute;dkov&aacute; J et al. Clin Genet, 2023 Nov;104:542-553). This variant is considered to be rare based on population cohorts in the Genome Aggregation Database (gnomAD). This amino acid position is highly conserved in available vertebrate species. In addition, this alteration is predicted to be deleterious by in silico analysis. Based on the majority of available evidence to date, this variant is likely to be pathogenic.

Myriad Genetics, Inc.
Classification: Likely pathogenic for Myopathy caused by variation in FKRP. Last evaluated: 2026-03-27. Review status: criteria provided, single submitter. Criteria: Myriad Autosomal Dominant, Autosomal Recessive and X-Linked Classification Criteria (2023). Collection method: clinical testing. Allele origin: unknown.
Comment: NM_024301.4(FKRP):c.947C>G(P316R) is a missense variant classified as likely pathogenic in the context of FKRP-related disorders. P316R has been observed in cases with relevant disease (PMID: 11592034, 16368217, 25135358, 27447704, 11741828, 33200426). Relevant functional assessments of this variant are not available in the literature. Internal structural analysis of the variant is supportive of pathogenicity. P316R has been observed in referenced population frequency databases. In summary, NM_024301.4(FKRP):c.947C>G(P316R) is a missense variant that has internal structural support for pathogenicity and has been observed more frequently in cases with the relevant disease than in healthy populations. Please note: this variant was assessed in the context of healthy population screening.

Labcorp Genetics (formerly Invitae), Labcorp
Classification: Pathogenic for Walker-Warburg congenital muscular dystrophy. Last evaluated: 2024-08-31. Review status: criteria provided, single submitter. Criteria: Invitae Variant Classification Sherloc (09022015). Collection method: clinical testing. Allele origin: germline.
Comment: This sequence change replaces proline, which is neutral and non-polar, with arginine, which is basic and polar, at codon 316 of the FKRP protein (p.Pro316Arg). This variant is present in population databases (rs752582904, gnomAD 0.002%). This missense change has been observed in individual(s) with congenital muscular dystrophy (PMID: 11592034, 11741828, 16368217, 25135358). In at least one individual the data is consistent with being in trans (on the opposite chromosome) from a pathogenic variant. ClinVar contains an entry for this variant (Variation ID: 197347). Invitae Evidence Modeling of protein sequence and biophysical properties (such as structural, functional, and spatial information, amino acid conservation, physicochemical variation, residue mobility, and thermodynamic stability) indicates that this missense variant is expected to disrupt FKRP protein function with a positive predictive value of 95%. This variant disrupts the p.Pro316 amino acid residue in FKRP. Other variant(s) that disrupt this residue have been observed in individuals with FKRP-related conditions (PMID: 12654965, 12666124, 16368217), which suggests that this may be a clinically significant amino acid residue. For these reasons, this variant has been classified as Pathogenic.

Baylor Genetics
Classification: Pathogenic for Muscular dystrophy-dystroglycanopathy (congenital with brain and eye anomalies), type A5. Last evaluated: 2022-07-12. Review status: criteria provided, single submitter. Criteria: ACMG Guidelines, 2015. Collection method: clinical testing. Allele origin: unknown.

Fulgent Genetics
Classification: Likely pathogenic for Muscular dystrophy-dystroglycanopathy (congenital with brain and eye anomalies), type A1; Muscular dystrophy-dystroglycanopathy type B5; Autosomal recessive limb-girdle muscular dystrophy type 2I; Muscular dystrophy-dystroglycanopathy (congenital with brain and eye anomalies), type A5. Last evaluated: 2021-09-14. Review status: criteria provided, single submitter. Criteria: ACMG Guidelines, 2015. Collection method: clinical testing. Allele origin: unknown.

Eurofins Ntd Llc (ga)
Classification: Likely pathogenic. Last evaluated: 2015-09-04. Review status: criteria provided, single submitter. Criteria: EGL Classification Definitions. Collection method: clinical testing. Allele origin: germline. Observed: 3 variant alleles, 3 heterozygotes.

Literature cited by the submitters: PubMed 11741828 (cited by 3 submitters); PubMed 16368217 (cited by 3 submitters); PubMed 25135358 (cited by 3 submitters); PubMed 27447704 (cited by Ambry Genetics and Myriad Genetics, Inc.); PubMed 31268217 (cited by Ambry Genetics); PubMed 33973272 (cited by Ambry Genetics); PubMed 37526466 (cited by Ambry Genetics); PubMed 39326416 (cited by Ambry Genetics); PubMed 11592034 (cited by Myriad Genetics, Inc. and Labcorp Genetics (formerly Invitae), Labcorp); PubMed 33200426 (cited by Myriad Genetics, Inc.); PubMed 12654965 (cited by Labcorp Genetics (formerly Invitae), Labcorp); PubMed 12666124 (cited by Labcorp Genetics (formerly Invitae), Labcorp).